The following is an entry in ClinVar:

NM_004366.6(CLCN2):c.926G>A (p.Arg309Gln)

Gene: CLCN2 (chloride voltage-gated channel 2; minus strand). Cytogenetic location: 3q27.1.
Variant type: single nucleotide variant.
Coding change: c.926G>A on transcript NM_004366.6 (MANE Select); coding-DNA position 926, G replaced by A.
Protein change: p.Arg309Gln; replaces arginine 309 with glutamine.
Molecular consequence: missense variant.
Genome position (GRCh38, 1-based): chr3:184,357,239, C>T on the plus strand (G>A on the coding strand, the complement: CLCN2 is on the minus strand). VCF-style: chr3-184357239-C-T. GRCh37 (hg19) VCF-style: chr3-184075027-C-T.
Other names: c.926G>A, p.Arg309Gln (NM_001171087.3, NM_001171089.3); c.794G>A, p.Arg265Gln (NM_001171088.3); short protein forms R265Q, R309Q.
Identifiers: ClinVar variation 2199619 (VCV002199619.4), dbSNP rs775250519, ClinGen allele CA2734298.
Genomic context (GRCh38, chr3:184,357,239, plus strand): 5'-CACCCAATGACAGCAAAGGCTGGCAGCTCCTGCAGGTCAAAGGGGAAGTCGAGCCGGAAT[C>T]GGGTTTTGAAGAGGGCTGTAATAGTCTCTAAAGGGAAGAACAGCAGAGGGAGGCAGGCCT-3'
Protein context (NP_004357.3, residues 299-319): EETITALFKT[Arg309Gln]FRLDFPFDLQ

ClinVar aggregate classification (germline): Uncertain significance (1 of 4 stars; one submission).

Allele frequency attached by ClinVar (database versions not stated): gnomAD 0.00001; gnomAD exomes 0.00001; ExAC 0.00002; TOPMed 0.00002.
gnomAD v4.1: 11 of 1,613,862 alleles (0.00068%); highest among the groups gnomAD compares: East Asian, 0.0045%; no homozygotes.

Submission:

Labcorp Genetics (formerly Invitae), Labcorp
Classification: Uncertain significance. Last evaluated: 2022-08-19. Review status: criteria provided, single submitter. Criteria: Invitae Variant Classification Sherloc (09022015). Collection method: clinical testing. Allele origin: germline.
Comment: This sequence change replaces arginine, which is basic and polar, with glutamine, which is neutral and polar, at codon 309 of the CLCN2 protein (p.Arg309Gln). This variant is present in population databases (rs775250519, gnomAD 0.006%). This variant has not been reported in the literature in individuals affected with CLCN2-related conditions. Advanced modeling of protein sequence and biophysical properties (such as structural, functional, and spatial information, amino acid conservation, physicochemical variation, residue mobility, and thermodynamic stability) performed at Invitae indicates that this missense variant is not expected to disrupt CLCN2 protein function. In summary, the available evidence is currently insufficient to determine the role of this variant in disease. Therefore, it has been classified as a Variant of Uncertain Significance.